The following is an entry in ClinVar:

ClinVar aggregate classification (germline): not provided (0 of 4 stars; one submission).

Conditions:
Endometrial carcinoma. Also called: Endometrial carcinoma, somatic. Identifiers: MedGen C0476089, MONDO:0002447, OMIM 608089, HP:0012114.

gnomAD v4.1: 1 of 1,613,190 alleles (0.000062%); highest among the groups gnomAD compares: Non-Finnish European, 0.000085%; no homozygotes.

Submission:

Laboratory of Translational Genomics,  National Cancer Institute
No classification provided. Condition: Endometrial carcinoma. Review status: no classification provided. Collection method: not provided. Allele origin: somatic.
Comment: Endometrial Cancer specimen

NM_005228.5(EGFR):c.2625+8G>A

Gene: EGFR (epidermal growth factor receptor; plus strand). Cytogenetic location: 7p11.2.
Variant type: single nucleotide variant.
Coding change: c.2625+8G>A on transcript NM_005228.5 (MANE Select); 8 bases into the intron after coding-DNA position 2625, G replaced by A.
Molecular consequence: intron variant.
Genome position (GRCh38, 1-based): chr7:55,191,882, G>A. VCF-style: chr7-55191882-G-A. GRCh37 (hg19) VCF-style: chr7-55259575-G-A.
Other names: c.2490+8G>A (NM_001346899.2, NM_001346897.2); c.1824+8G>A (NM_001346941.2); c.2625+8G>A (NM_001346898.2); c.2466+8G>A (NM_001346900.2).
Identifiers: ClinVar variation 132951 (VCV000132951.1), dbSNP rs104886014, ClinGen allele CA156279.